The following is an entry in ClinVar:

NM_000062.3(SERPING1):c.1378T>C (p.Ser460Pro)

Gene: SERPING1 (serpin family G member 1; plus strand). Cytogenetic location: 11q12.1.
Variant type: single nucleotide variant.
Coding change: c.1378T>C on transcript NM_000062.3 (MANE Select); coding-DNA position 1378, T replaced by C.
Protein change: p.Ser460Pro; replaces serine 460 with proline.
Molecular consequence: missense variant.
Genome position (GRCh38, 1-based): chr11:57,614,456, T>C. VCF-style: chr11-57614456-T-C. GRCh37 (hg19) VCF-style: chr11-57381929-T-C.
Other names: c.1378T>C, p.Ser460Pro (NM_001032295.2); short protein forms S460P.
Identifiers: ClinVar variation 1406687 (VCV001406687.8), dbSNP rs2135328049, ClinGen allele CA380690708.

ClinVar aggregate classification (germline): Likely pathogenic (1 of 4 stars; one submission).

Allele frequency attached by ClinVar (database versions not stated): gnomAD exomes below 0.00001.
gnomAD v4.1: 1 of 1,614,092 alleles (0.000062%); highest among the groups gnomAD compares: Non-Finnish European, 0.000085%; no homozygotes.

Submission:

Labcorp Genetics (formerly Invitae), Labcorp
Classification: Likely pathogenic. Last evaluated: 2023-03-23. Review status: criteria provided, single submitter. Criteria: Invitae Variant Classification Sherloc (09022015). Collection method: clinical testing. Allele origin: germline.
Comment: This variant disrupts the p.Ser460 amino acid residue in SERPING1. Other variant(s) that disrupt this residue have been determined to be pathogenic (PMID: 30278448, 32445210). This suggests that this residue is clinically significant, and that variants that disrupt this residue are likely to be disease-causing. Advanced modeling of protein sequence and biophysical properties (such as structural, functional, and spatial information, amino acid conservation, physicochemical variation, residue mobility, and thermodynamic stability) performed at Invitae indicates that this missense variant is expected to disrupt SERPING1 protein function. ClinVar contains an entry for this variant (Variation ID: 1406687). This variant is also known as S438P. This missense change has been observed in individuals with angioedema (PMID: 12402344; Invitae). This variant is not present in population databases (gnomAD no frequency). This sequence change replaces serine, which is neutral and polar, with proline, which is neutral and non-polar, at codon 460 of the SERPING1 protein (p.Ser460Pro). In summary, the currently available evidence indicates that the variant is pathogenic, but additional data are needed to prove that conclusively. Therefore, this variant has been classified as Likely Pathogenic.

Literature cited by the submitters: PubMed 30278448; PubMed 32445210; PubMed 12402344.